The following is an entry in ClinVar:

ClinVar aggregate classification (germline): Uncertain significance. Review status: criteria provided, multiple submitters, no conflicts (2 of 4 stars). 3 submissions from 3 submitters: Uncertain significance (3). Last evaluated 2026-04-07.

Conditions:
Developmental and epileptic encephalopathy, 47 (DEE47). Also called: Epileptic encephalopathy, early infantile, 47. Identifiers: MedGen C4310685, MONDO:0014949, OMIM 617166.

Allele frequency attached by ClinVar (database versions not stated): gnomAD 0.00001; gnomAD exomes 0.00001; TOPMed 0.00004; ESP Exome Variant Server 0.00008.
gnomAD v4.1: 8 of 1,599,190 alleles (0.0005%); highest among the groups gnomAD compares: African/African-American, 0.0094%; no homozygotes.

Submissions (3):

Women's Health and Genetics/Laboratory Corporation of America, LabCorp
Classification: Uncertain significance. Last evaluated: 2026-04-07. Review status: criteria provided, single submitter. Criteria: LabCorp Variant Classification Summary - May 2015. Collection method: clinical testing. Allele origin: germline.
Comment: Variant summary: FGF12 c.311-3C>G alters a nucleotide located close to a canonical splice site and therefore could affect mRNA splicing, leading to a significantly altered protein sequence. Several computational tools predict a significant impact on normal splicing: One predict the variant abolishes a 3' acceptor site. Three predict the variant weakens a 3' acceptor site. However, these predictions have yet to be confirmed by functional studies. The variant allele was found at a frequency of 8e-06 in 250532 control chromosomes. The available data on variant occurrences in the general population are insufficient to allow any conclusion about variant significance. To our knowledge, no occurrence of c.311-3C>G in individuals affected with FGF12-related conditions and no experimental evidence demonstrating its impact on protein function have been reported. ClinVar contains an entry for this variant (Variation ID: 1392428). Based on the evidence outlined above, the variant was classified as uncertain significance.

Labcorp Genetics (formerly Invitae), Labcorp
Classification: Uncertain significance. Last evaluated: 2023-09-21. Review status: criteria provided, single submitter. Criteria: Invitae Variant Classification Sherloc (09022015). Collection method: clinical testing. Allele origin: germline.
Comment: This variant is present in population databases (rs371917110, gnomAD 0.007%). This sequence change falls in intron 2 of the FGF12 gene. It does not directly change the encoded amino acid sequence of the FGF12 protein. It affects a nucleotide within the consensus splice site. This variant has not been reported in the literature in individuals affected with FGF12-related conditions. In summary, the available evidence is currently insufficient to determine the role of this variant in disease. Therefore, it has been classified as a Variant of Uncertain Significance. Variants that disrupt the consensus splice site are a relatively common cause of aberrant splicing (PMID: 17576681, 9536098). Algorithms developed to predict the effect of sequence changes on RNA splicing suggest that this variant is not likely to affect RNA splicing. ClinVar contains an entry for this variant (Variation ID: 1392428).

Fulgent Genetics
Classification: Uncertain significance for Developmental and epileptic encephalopathy, 47. Last evaluated: 2021-07-27. Review status: criteria provided, single submitter. Criteria: ACMG Guidelines, 2015. Collection method: clinical testing. Allele origin: unknown.

Literature cited by the submitters: PubMed 17576681 (cited by Labcorp Genetics (formerly Invitae), Labcorp); PubMed 9536098 (cited by Labcorp Genetics (formerly Invitae), Labcorp).

NM_004113.6(FGF12):c.125-3C>G

Gene: FGF12 (fibroblast growth factor 12; minus strand). Cytogenetic location: 3q28.
Variant type: single nucleotide variant.
Coding change: c.125-3C>G on transcript NM_004113.6 (MANE Select); 3 bases into the intron before coding-DNA position 125, C replaced by G.
Molecular consequence: intron variant.
Genome position (GRCh38, 1-based): chr3:192,335,467, G>C on the plus strand (C>G on the coding strand, the complement: FGF12 is on the minus strand). VCF-style: chr3-192335467-G-C. GRCh37 (hg19) VCF-style: chr3-192053256-G-C.
Other names: c.53-3C>G (NM_001377293.1, NM_001377294.1); c.14-3C>G (NM_001377292.1); c.311-3C>G (NM_021032.5).
Identifiers: ClinVar variation 1392428 (VCV001392428.11), dbSNP rs371917110, ClinGen allele CA90406254.